The following is an entry in ClinVar:

ClinVar aggregate classification (germline): Uncertain significance (1 of 4 stars; one submission).

Conditions:
Familial hemiplegic migraine. Identifiers: MedGen C0338484, MONDO:0000700.

Allele frequency attached by ClinVar (database versions not stated): TOPMed below 0.00001.

Submission:

Labcorp Genetics (formerly Invitae), Labcorp
Classification: Uncertain significance for Familial hemiplegic migraine. Last evaluated: 2021-04-05. Review status: criteria provided, single submitter. Criteria: Invitae Variant Classification Sherloc (09022015). Collection method: clinical testing. Allele origin: germline.
Comment: In summary, the available evidence is currently insufficient to determine the role of this variant in disease. Therefore, it has been classified as a Variant of Uncertain Significance. Advanced modeling of protein sequence and biophysical properties (such as structural, functional, and spatial information, amino acid conservation, physicochemical variation, residue mobility, and thermodynamic stability) performed at Invitae indicates that this missense variant is expected to disrupt ATP1A2 protein function. This variant has not been reported in the literature in individuals with ATP1A2-related conditions. This variant is not present in population databases (ExAC no frequency). This sequence change replaces cysteine with serine at codon 702 of the ATP1A2 protein (p.Cys702Ser). The cysteine residue is highly conserved and there is a moderate physicochemical difference between cysteine and serine.

NM_000702.4(ATP1A2):c.2104T>A (p.Cys702Ser)

Gene: ATP1A2 (ATPase Na+/K+ transporting subunit alpha 2; plus strand). Cytogenetic location: 1q23.2.
Variant type: single nucleotide variant.
Coding change: c.2104T>A on transcript NM_000702.4 (MANE Select); coding-DNA position 2104, T replaced by A.
Protein change: p.Cys702Ser; replaces cysteine 702 with serine.
Molecular consequence: missense variant.
Genome position (GRCh38, 1-based): chr1:160,135,284, T>A. VCF-style: chr1-160135284-T-A. GRCh37 (hg19) VCF-style: chr1-160105074-T-A.
Other names: short protein forms C702S.
Identifiers: ClinVar variation 1379570 (VCV001379570.8), dbSNP rs1651899578, ClinGen allele CA343248765.